The following is an entry in ClinVar:

ClinVar aggregate classification (germline): Uncertain significance. Review status: criteria provided, multiple submitters, no conflicts (2 of 4 stars). 2 submissions from 2 submitters: Uncertain significance (2). Last evaluated 2025-01-06.

Conditions:
Brown-Vialetto-van Laere syndrome 2. Also called: SPINOCEREBELLAR ATAXIA WITH BLINDNESS AND DEAFNESS 2; Riboflavin transporter deficiency type 2. Identifiers: Orphanet 572543, Orphanet 97229, MedGen C3553538, MONDO:0013867, OMIM 614707.

Allele frequency attached by ClinVar (database versions not stated): TOPMed 0.00002; gnomAD 0.00001.

Submissions (2):

Labcorp Genetics (formerly Invitae), Labcorp
Classification: Uncertain significance for Brown-Vialetto-van Laere syndrome 2. Last evaluated: 2025-01-06. Review status: criteria provided, single submitter. Criteria: Invitae Variant Classification Sherloc (09022015). Collection method: clinical testing. Allele origin: germline.
Comment: This sequence change replaces leucine, which is neutral and non-polar, with proline, which is neutral and non-polar, at codon 342 of the SLC52A2 protein (p.Leu342Pro). This variant is not present in population databases (gnomAD no frequency). This variant has not been reported in the literature in individuals affected with SLC52A2-related conditions. ClinVar contains an entry for this variant (Variation ID: 953633). Invitae Evidence Modeling of protein sequence and biophysical properties (such as structural, functional, and spatial information, amino acid conservation, physicochemical variation, residue mobility, and thermodynamic stability) indicates that this missense variant is expected to disrupt SLC52A2 protein function with a positive predictive value of 95%. In summary, the available evidence is currently insufficient to determine the role of this variant in disease. Therefore, it has been classified as a Variant of Uncertain Significance.

Mayo Clinic Laboratories, Mayo Clinic
Classification: Uncertain significance. Last evaluated: 2021-02-18. Review status: criteria provided, single submitter. Criteria: ACMG Guidelines, 2015. Collection method: clinical testing. Allele origin: germline. Observed: 1 variant allele.

NM_001363118.2(SLC52A2):c.1025T>C (p.Leu342Pro)

Gene: SLC52A2 (solute carrier family 52 member 2; plus strand). Cytogenetic location: 8q24.3.
Variant type: single nucleotide variant.
Coding change: c.1025T>C on transcript NM_001363118.2 (MANE Select); coding-DNA position 1025, T replaced by C.
Protein change: p.Leu342Pro; replaces leucine 342 with proline.
Molecular consequence: missense variant. On other transcripts: non-coding transcript variant (1).
Genome position (GRCh38, 1-based): chr8:144,360,613, T>C. VCF-style: chr8-144360613-T-C. GRCh37 (hg19) VCF-style: chr8-145584273-T-C.
Other names: c.1025T>C, p.Leu342Pro (NM_001253815.2, NM_001253816.2, NM_001363120.2 and 2 more transcripts); c.533T>C, p.Leu178Pro (NM_001363122.2); short protein forms L178P, L342P.
Identifiers: ClinVar variation 953633 (VCV000953633.11), dbSNP rs1399329664, ClinGen allele CA372628864.